The following is an entry in ClinVar:

ClinVar aggregate classification (germline): Uncertain significance (1 of 4 stars; one submission).

Submission:

CeGaT Center for Human Genetics Tuebingen
Classification: Uncertain significance. Last evaluated: 2022-06-01. Review status: criteria provided, single submitter. Criteria: CeGaT Center For Human Genetics Tuebingen Variant Classification Criteria Version 2. Collection method: clinical testing. Allele origin: germline. Affected: yes. Observed: 1 variant allele.
Comment: KMT2C: PM2, PM4:Supporting

NM_170606.3(KMT2C):c.4367_4369dup (p.Val1456_Asp1457insVal)

Gene: KMT2C (lysine methyltransferase 2C; minus strand). Cytogenetic location: 7q36.1.
Variant type: Duplication.
Coding change: c.4367_4369dup on transcript NM_170606.3 (MANE Select); coding-DNA positions 4367 to 4369, 3 bases duplicated (TTG; older notation c.4367_4369dupTTG).
Protein change: p.Val1456_Asp1457insVal.
Molecular consequence: inframe insertion.
Genome position (GRCh38, 1-based): chr7:152,195,916-152,195,918, CAA duplicated on the plus strand (TTG on the coding strand, the reverse complement: KMT2C is on the minus strand); duplicating any 3 consecutive bases within chr7:152,195,916-152,195,919 gives the same sequence; the c. name uses the placement nearest the transcript's 3' end. VCF-style (leftmost placement, unchanged base first): chr7-152195915-T-TCAA. GRCh37 (hg19) VCF-style: chr7-151893000-T-TCAA.
Identifiers: ClinVar variation 1695216 (VCV001695216.31), dbSNP rs2129130791, ClinGen allele CA2580077720.